The following is an entry in ClinVar:

ClinVar aggregate classification (germline): Conflicting classifications of pathogenicity. Review status: criteria provided, conflicting classifications (1 of 4 stars). 4 submissions from 4 submitters: Uncertain significance (1); Likely benign (3). Last evaluated 2025-11-04.

Conditions:
Ehlers-Danlos syndrome, type 4 (EDSVASC). Also called: Ehlers-Danlos syndrome vascular type; Ehlers Danlos syndrome, ecchymotic type; Ehlers Danlos syndrome, arterial type; Ehlers Danlos syndrome, Sack-Barabas type; Ehlers-Danlos Syndrome Type IV. Identifiers: Orphanet 286, MedGen C0268338, MONDO:0017314, OMIM 130050.

Allele frequency attached by ClinVar (database versions not stated): gnomAD 0.00001 and 0.00002; gnomAD exomes 0.00002 and 0.00003; TOPMed 0.00002; ExAC 0.00003; ESP Exome Variant Server 0.00015; 1000 Genomes Project 30x 0.00016; 1000 Genomes Project 0.00020.
gnomAD v4.1: 37 of 1,612,468 alleles (0.0023%); highest among the groups gnomAD compares: Admixed American, 0.0067%; no homozygotes.

Submissions (4):

Labcorp Genetics (formerly Invitae), Labcorp
Classification: Likely benign for Ehlers-Danlos syndrome, type 4. Last evaluated: 2025-11-04. Review status: criteria provided, single submitter. Criteria: Invitae Variant Classification Sherloc (09022015). Collection method: clinical testing. Allele origin: germline.

Women's Health and Genetics/Laboratory Corporation of America, LabCorp
Classification: Likely benign. Last evaluated: 2024-01-16. Review status: criteria provided, single submitter. Criteria: LabCorp Variant Classification Summary - May 2015. Collection method: clinical testing. Allele origin: germline.

Center for Genomics, Ann and Robert H. Lurie Children's Hospital of Chicago
Classification: Uncertain significance for Ehlers-Danlos syndrome, type 4. Last evaluated: 2021-06-04. Review status: criteria provided, single submitter. Criteria: ACMG Guidelines, 2015. Collection method: clinical testing. Allele origin: germline.
Comment: COL3A1 NM_000090.3 exon 37 c.2607+10G>A: This variant has not been reported in the literature but is present in 0.002% (2/68024) of European alleles in the Genome Aggregation Database. This variant is present in ClinVar (Variation ID:517928). Evolutionary conservation and computational predictive tools for this variant are limited or unavailable. Although this variant occurs in the splice region, computational prediction tools do not suggest that it alters splicing. However, further studies are needed to understand its impact. In summary, data on this variant is insufficient for disease classification. Therefore, the clinical significance of this variant is uncertain.

GeneDx
Classification: Likely benign. Last evaluated: 2018-02-13. Review status: criteria provided, single submitter. Criteria: GeneDx Variant Classification (06012015). Collection method: clinical testing. Allele origin: germline. Affected: yes.
Comment: This variant is considered likely benign or benign based on one or more of the following criteria: it is a conservative change, it occurs at a poorly conserved position in the protein, it is predicted to be benign by multiple in silico algorithms, and/or has population frequency not consistent with disease.

NM_000090.4(COL3A1):c.2607+10G>A

Gene: COL3A1 (collagen type III alpha 1 chain; plus strand). Cytogenetic location: 2q32.2.
Variant type: single nucleotide variant.
Coding change: c.2607+10G>A on transcript NM_000090.4 (MANE Select); 10 bases into the intron after coding-DNA position 2607, G replaced by A.
Molecular consequence: intron variant.
Genome position (GRCh38, 1-based): chr2:189,003,474, G>A. VCF-style: chr2-189003474-G-A. GRCh37 (hg19) VCF-style: chr2-189868200-G-A.
Identifiers: ClinVar variation 517928 (VCV000517928.12), dbSNP rs367789349, ClinGen allele CA075432.